The following is an entry in ClinVar:

ClinVar aggregate classification (germline): Uncertain significance (1 of 4 stars; one submission).

gnomAD v4.1: 3 of 1,588,438 alleles (0.00019%); highest among the groups gnomAD compares: Admixed American, 0.0036%; no homozygotes.

Submission:

Labcorp Genetics (formerly Invitae), Labcorp
Classification: Uncertain significance. Last evaluated: 2023-10-05. Review status: criteria provided, single submitter. Criteria: Invitae Variant Classification Sherloc (09022015). Collection method: clinical testing. Allele origin: germline.
Comment: This sequence change replaces arginine, which is basic and polar, with leucine, which is neutral and non-polar, at codon 775 of the DCHS1 protein (p.Arg775Leu). The frequency data for this variant in the population databases is considered unreliable, as metrics indicate poor data quality at this position in the gnomAD database. This variant has not been reported in the literature in individuals affected with DCHS1-related conditions. Advanced modeling of protein sequence and biophysical properties (such as structural, functional, and spatial information, amino acid conservation, physicochemical variation, residue mobility, and thermodynamic stability) performed at Invitae indicates that this missense variant is not expected to disrupt DCHS1 protein function. In summary, the available evidence is currently insufficient to determine the role of this variant in disease. Therefore, it has been classified as a Variant of Uncertain Significance.

NM_003737.4(DCHS1):c.2324G>T (p.Arg775Leu)

Gene: DCHS1 (dachsous cadherin-related 1; minus strand). Cytogenetic location: 11p15.4.
Variant type: single nucleotide variant.
Coding change: c.2324G>T on transcript NM_003737.4 (MANE Select); coding-DNA position 2324, G replaced by T.
Protein change: p.Arg775Leu; replaces arginine 775 with leucine.
Molecular consequence: missense variant.
Genome position (GRCh38, 1-based): chr11:6,633,543, C>A on the plus strand (G>T on the coding strand, the complement: DCHS1 is on the minus strand). VCF-style: chr11-6633543-C-A. GRCh37 (hg19) VCF-style: chr11-6654774-C-A.
Other names: short protein forms R775L.
Identifiers: ClinVar variation 2902838 (VCV002902838.3), dbSNP rs763868169, ClinGen allele CA379422334.